The following is an entry in ClinVar:

NM_054021.2(GPR101):c.492TCC[1] (p.Pro166del)

Gene: GPR101 (G protein-coupled receptor 101; minus strand). Cytogenetic location: Xq26.3.
Variant type: Microsatellite.
Coding change: c.492TCC[1] on transcript NM_054021.2 (MANE Select); one copy of the 3-base unit TCC starting at c.492; the reference has two copies in a row; one copy, 3 bases deleted.
Protein change: p.Pro166del; deletes proline 166.
Genome position (GRCh38, 1-based): chrX:137,031,178-137,031,180, GGA deleted on the plus strand (TCC on the coding strand, the reverse complement: GPR101 is on the minus strand); deleting any 3 consecutive bases within chrX:137,031,178-137,031,184 gives the same sequence; the position shown is the placement nearest the transcript's 3' end. VCF-style (leftmost placement, unchanged base first): chrX-137031177-TGGA-T. GRCh37 (hg19) VCF-style: chrX-136113336-TGGA-T.
Other names: short protein forms P166del.
Identifiers: ClinVar variation 3658432 (VCV003658432.2).

ClinVar aggregate classification (germline): Uncertain significance (1 of 4 stars; one submission).

Submission:

Labcorp Genetics (formerly Invitae), Labcorp
Classification: Uncertain significance. Last evaluated: 2024-12-20. Review status: criteria provided, single submitter. Criteria: Invitae Variant Classification Sherloc (09022015). Collection method: clinical testing. Allele origin: germline.
Comment: This variant, c.495_497del, results in the deletion of 1 amino acid(s) of the GPR101 protein (p.Pro166del), but otherwise preserves the integrity of the reading frame. This variant is not present in population databases (gnomAD no frequency). This variant has not been reported in the literature in individuals affected with GPR101-related conditions. Experimental studies and prediction algorithms are not available or were not evaluated, and the functional significance of this variant is currently unknown. In summary, the available evidence is currently insufficient to determine the role of this variant in disease. Therefore, it has been classified as a Variant of Uncertain Significance.